The following is an entry in ClinVar:

NM_001018115.3(FANCD2):c.356G>C (p.Arg119Pro)

Genes: FANCD2 (FA complementation group D2; plus strand), LOC107303338 (3p25 FANCD2 Alu-mediated recombination region; plus strand). Cytogenetic location: 3p25.3.
Variant type: single nucleotide variant.
Coding change: c.356G>C on transcript NM_001018115.3 (MANE Select); coding-DNA position 356, G replaced by C.
Protein change: p.Arg119Pro; replaces arginine 119 with proline.
Molecular consequence: missense variant.
Genome position (GRCh38, 1-based): chr3:10,034,777, G>C. VCF-style: chr3-10034777-G-C. GRCh37 (hg19) VCF-style: chr3-10076461-G-C.
Other names: c.356G>C, p.Arg119Pro (NM_001319984.2, NM_001374253.1, NM_001374254.1 and 2 more transcripts); short protein forms R119P.
Identifiers: ClinVar variation 2771705 (VCV002771705.3), dbSNP rs566769898, ClinGen allele CA351720854.
Genomic context (GRCh38, chr3:10,034,777, plus strand): 5'-GCCTGGAGTCTTACATTGAGGATGAAGACAGTTTCAGGAACTGCCTTTTGTCTTGTGAGC[G>C]TCTGCAGGATGAGGAAGCCAGGTGTGGAGAGGAGGCATGGAATCTTGCTGAAATTCAGTC-3'
Protein context (NP_001018125.1, residues 109-129): SFRNCLLSCE[Arg119Pro]LQDEEASMGA

ClinVar aggregate classification (germline): Uncertain significance (1 of 4 stars; one submission).

Conditions:
Fanconi anemia (FA). Also called: Fanconi's anemia. Identifiers: Orphanet 84, MedGen C0015625, MeSH D005199, MONDO:0019391.

gnomAD v4.1: 1 of 1,559,902 alleles (0.000064%); highest among the groups gnomAD compares: Non-Finnish European, 0.000087%; no homozygotes.

Submission:

Labcorp Genetics (formerly Invitae), Labcorp
Classification: Uncertain significance for Fanconi anemia. Last evaluated: 2023-11-24. Review status: criteria provided, single submitter. Criteria: Invitae Variant Classification Sherloc (09022015). Collection method: clinical testing. Allele origin: germline.
Comment: This sequence change replaces arginine, which is basic and polar, with proline, which is neutral and non-polar, at codon 119 of the FANCD2 protein (p.Arg119Pro). This variant is not present in population databases (gnomAD no frequency). This variant has not been reported in the literature in individuals affected with FANCD2-related conditions. Advanced modeling of protein sequence and biophysical properties (such as structural, functional, and spatial information, amino acid conservation, physicochemical variation, residue mobility, and thermodynamic stability) performed at Invitae indicates that this missense variant is not expected to disrupt FANCD2 protein function with a negative predictive value of 80%. In summary, the available evidence is currently insufficient to determine the role of this variant in disease. Therefore, it has been classified as a Variant of Uncertain Significance.